The following is an entry in ClinVar:

ClinVar aggregate classification (germline): Uncertain significance. Review status: criteria provided, multiple submitters, no conflicts (2 of 4 stars). 2 submissions from 2 submitters: Uncertain significance (2). Last evaluated 2026-07-25.

Conditions:
Hereditary cancer-predisposing syndrome. Also called: Tumor predisposition; Hereditary Cancer Syndrome; Hereditary neoplastic syndrome; Neoplastic Syndromes, Hereditary. Identifiers: Orphanet 140162, MedGen C0027672, MeSH D009386, MONDO:0015356.
Pheochromocytoma/paraganglioma syndrome 3. Also called: GLOMUS TUMORS, FAMILIAL, 3; Paragangliomas 3; SDHC-Related Hereditary Paraganglioma-Pheochromocytoma Syndrome (Paragangliomas 3); SDHC-Related Hereditary Paraganglioma-Pheochromocytoma Syndrome. Identifiers: Orphanet 29072, MedGen C1854336, MONDO:0011544, OMIM 605373.
Gastrointestinal stromal tumor. Also called: Gastrointestinal stroma tumor; Gastrointestinal stromal tumor, somatic. Identifiers: Orphanet 44890, MedGen C0238198, MeSH D046152, MONDO:0011719, OMIM 606764, HP:0100723.

Submissions (2):

Ambry Genetics
Classification: Uncertain significance for Hereditary cancer-predisposing syndrome. Last evaluated: 2026-07-25. Review status: criteria provided, single submitter. Criteria: Ambry Variant Classification Scheme 2023. Collection method: clinical testing. Allele origin: germline.
Comment: The p.E37G variant (also known as c.110A>G), located in coding exon 3 of the SDHC gene, results from an A to G substitution at nucleotide position 110. The glutamic acid at codon 37 is replaced by glycine, an amino acid with similar properties. This amino acid position is conserved. In addition, this alteration is predicted to be deleterious by in silico analysis. Based on the available evidence, the clinical significance of this variant remains unclear.

Labcorp Genetics (formerly Invitae), Labcorp
Classification: Uncertain significance for Pheochromocytoma/paraganglioma syndrome 3; Gastrointestinal stromal tumor. Last evaluated: 2025-01-26. Review status: criteria provided, single submitter. Criteria: Invitae Variant Classification Sherloc (09022015). Collection method: clinical testing. Allele origin: germline.
Comment: This sequence change replaces glutamic acid, which is acidic and polar, with glycine, which is neutral and non-polar, at codon 37 of the SDHC protein (p.Glu37Gly). This variant is not present in population databases (gnomAD no frequency). This variant has not been reported in the literature in individuals affected with SDHC-related conditions. ClinVar contains an entry for this variant (Variation ID: 2107276). An algorithm developed to predict the effect of missense changes on protein structure and function (PolyPhen-2) suggests that this variant is likely to be tolerated. In summary, the available evidence is currently insufficient to determine the role of this variant in disease. Therefore, it has been classified as a Variant of Uncertain Significance.

NM_003001.5(SDHC):c.110A>G (p.Glu37Gly)

Gene: SDHC (succinate dehydrogenase complex subunit C; plus strand). Cytogenetic location: 1q23.3.
Variant type: single nucleotide variant.
Coding change: c.110A>G on transcript NM_003001.5 (MANE Select); coding-DNA position 110, A replaced by G.
Protein change: p.Glu37Gly; replaces glutamic acid 37 with glycine.
Molecular consequence: missense variant. On other transcripts: 5 prime UTR variant (2), non-coding transcript variant (1), intron variant (4).
Genome position (GRCh38, 1-based): chr1:161,328,428, A>G. VCF-style: chr1-161328428-A-G. GRCh37 (hg19) VCF-style: chr1-161298218-A-G.
Other names: c.110A>G, p.Glu37Gly (NM_001035511.3, NM_001407115.1); c.53A>G, p.Glu18Gly (NM_001407116.1, NM_001407117.1, NM_001407121.1); c.-2A>G (NM_001407119.1, NM_001407120.1); c.77+4758A>G (NM_001035512.3, NM_001278172.3, NM_001407118.1); c.21-12166A>G (NM_001035513.3); short protein forms E37G, E18G.
Identifiers: ClinVar variation 2107276 (VCV002107276.5), dbSNP rs1671147192, ClinGen allele CA343360993.